The following is an entry in ClinVar:

ClinVar aggregate classification (germline): Conflicting classifications of pathogenicity. Review status: criteria provided, conflicting classifications (1 of 4 stars). 3 submissions from 3 submitters: Uncertain significance (2); Likely benign (1). Last evaluated 2025-10-06.

Conditions:
Syndromic multisystem autoimmune disease due to ITCH deficiency. Also called: AUTOIMMUNE DISEASE, MULTISYSTEM, WITH FACIAL DYSMORPHISM. Identifiers: Orphanet 228426, MedGen C3150649, MONDO:0013245, OMIM 613385.
Inborn genetic diseases. Identifiers: MedGen C0950123, MeSH D030342.

Allele frequency attached by ClinVar (database versions not stated): TOPMed 0.00010; gnomAD exomes 0.00011 and 0.00025; gnomAD 0.00012 and 0.00013; ExAC 0.00021; ESP Exome Variant Server 0.00023.
gnomAD v4.1: 197 of 1,613,708 alleles (0.012%); highest among the groups gnomAD compares: East Asian, 0.0022%; no homozygotes.

Submissions (3):

Labcorp Genetics (formerly Invitae), Labcorp
Classification: Likely benign for Syndromic multisystem autoimmune disease due to ITCH deficiency. Last evaluated: 2025-10-06. Review status: criteria provided, single submitter. Criteria: Invitae Variant Classification Sherloc (09022015). Collection method: clinical testing. Allele origin: germline.

Mayo Clinic Laboratories, Mayo Clinic
Classification: Uncertain significance. Last evaluated: 2025-05-25. Review status: criteria provided, single submitter. Criteria: ACMG Guidelines, 2015. Collection method: clinical testing. Allele origin: germline. Observed: 1 variant allele.
Comment: BS1, PP2

Ambry Genetics
Classification: Uncertain significance for Inborn genetic diseases. Last evaluated: 2023-02-22. Review status: criteria provided, single submitter. Criteria: Ambry Variant Classification Scheme 2023. Collection method: clinical testing. Allele origin: germline.

NM_031483.7(ITCH):c.1333A>G (p.Met445Val)

Gene: ITCH (itchy E3 ubiquitin protein ligase; plus strand). Cytogenetic location: 20q11.22.
Variant type: single nucleotide variant.
Coding change: c.1333A>G on transcript NM_031483.7 (MANE Select); coding-DNA position 1333, A replaced by G.
Protein change: p.Met445Val; replaces methionine 445 with valine.
Molecular consequence: missense variant.
Genome position (GRCh38, 1-based): chr20:34,462,130, A>G. VCF-style: chr20-34462130-A-G. GRCh37 (hg19) VCF-style: chr20-33049935-A-G.
Other names: p.Met445Val; c.1333A>G (NM_031483.4); c.1456A>G, p.Met486Val (NM_001257137.3, NM_001324197.2); c.1003A>G, p.Met335Val (NM_001257138.3); c.1333A>G, p.Met445Val (NM_001324198.2); short protein forms M335V, M445V, M486V.
Identifiers: ClinVar variation 1131454 (VCV001131454.11), dbSNP rs150653226, ClinGen allele CA9821651.